The following is an entry in ClinVar:

ClinVar aggregate classification (germline): Uncertain significance (1 of 4 stars; one submission).

Submission:

Labcorp Genetics (formerly Invitae), Labcorp
Classification: Uncertain significance. Last evaluated: 2022-05-03. Review status: criteria provided, single submitter. Criteria: Invitae Variant Classification Sherloc (09022015). Collection method: clinical testing. Allele origin: germline.
Comment: Experimental studies and prediction algorithms are not available or were not evaluated, and the functional significance of this variant is currently unknown. In summary, the available evidence is currently insufficient to determine the role of this variant in disease. Therefore, it has been classified as a Variant of Uncertain Significance. This variant has not been reported in the literature in individuals affected with ARMC9-related conditions. This variant is not present in population databases (gnomAD no frequency). This variant, c.1764_1769del, results in the deletion of 2 amino acid(s) of the ARMC9 protein (p.Glu588_Asp589del), but otherwise preserves the integrity of the reading frame.

NM_001352754.2(ARMC9):c.1758AGATGA[1] (p.586ED[1])

Gene: ARMC9 (armadillo repeat containing 9; plus strand). Cytogenetic location: 2q37.1.
Variant type: Microsatellite.
Coding change: c.1758AGATGA[1] on transcript NM_001352754.2 (MANE Select); one copy of the 6-base unit AGATGA starting at c.1758; the reference has two copies in a row; one copy, 6 bases deleted.
Protein change: p.586ED[1].
Molecular consequence: inframe deletion. On other transcripts: non-coding transcript variant (1).
Genome position (GRCh38, 1-based): chr2:231,296,244-231,296,249, AGATGA deleted; deleting any 6 consecutive bases within chr2:231,296,233-231,296,249 gives the same sequence; the position shown is the placement nearest the transcript's 3' end. VCF-style (leftmost placement, unchanged base first): chr2-231296232-TGATGAA-T. GRCh37 (hg19) VCF-style: chr2-232160945-TGATGAA-T.
Other names: c.1758AGATGA[1], p.586ED[1] (NM_001271466.4, NM_001291656.2, NM_001352755.2 and 3 more transcripts); c.1659AGATGA[1], p.553ED[1] (NM_001352757.2, NM_001352758.2).
Identifiers: ClinVar variation 1061683 (VCV001061683.9), dbSNP rs2041356374, ClinGen allele CA1043353888.